The following is an entry in ClinVar:

ClinVar aggregate classification (germline): Pathogenic (1 of 4 stars; one submission).

Submission:

GeneDx
Classification: Pathogenic. Last evaluated: 2015-09-15. Review status: criteria provided, single submitter. Criteria: GeneDx Variant Classification (06012015). Collection method: clinical testing. Allele origin: germline. Affected: yes.
Comment: The c.162delA deletion in the COL1A1 gene has not been reported previously as a pathogenic variant nor as a benign polymorphism, to our knowledge. The c.162delA variant causes a frameshift starting with codon Lysine 54, changes this amino acid to a Asparagine residue, and creates a premature Stop codon at position 20 the new reading frame, denoted p.Lys54AsnfsX20. This deletion is predicted to cause loss of normal protein function either through protein truncation or nonsense-mediated mRNA decay. The c.162delA variant was not observed in approximately 6,500 individuals of European and African American ancestry in the NHLBI Exome Sequencing Project, indicating it is not a common benign variant in these populations. We interpret c.162delA as a pathogenic variant.

NM_000088.4(COL1A1):c.162del (p.Lys54fs)

Gene: COL1A1 (collagen type I alpha 1 chain; minus strand). Cytogenetic location: 17q21.33.
Variant type: Deletion.
Coding change: c.162del on transcript NM_000088.4 (MANE Select); coding-DNA position 162, one base deleted (A; older notation c.162delA).
Protein change: p.Lys54fs; shifts the reading frame from lysine 54.
Molecular consequence: frameshift variant.
Genome position (GRCh38, 1-based): chr17:50,199,889, T deleted on the plus strand (A on the coding strand, the reverse complement: COL1A1 is on the minus strand); the first of 3 consecutive T bases (chr17:50,199,889-50,199,891); deleting any one gives the same sequence. VCF-style (leftmost placement, unchanged base first): chr17-50199888-GT-G. GRCh37 (hg19) VCF-style: chr17-48277249-GT-G.
Other names: c.162delA (NM_000088.3); short protein forms K54fs.
Identifiers: ClinVar variation 429812 (VCV000429812.2), dbSNP rs1131691607, ClinGen allele CA645369735.